The following is an entry in ClinVar:

ClinVar aggregate classification (germline): Uncertain significance (1 of 4 stars; one submission).

Conditions:
Hereditary cancer-predisposing syndrome. Also called: Hereditary neoplastic syndrome; Neoplastic Syndromes, Hereditary; Tumor predisposition; Hereditary Cancer Syndrome. Identifiers: Orphanet 140162, MedGen C0027672, MeSH D009386, MONDO:0015356.

Submission:

Ambry Genetics
Classification: Uncertain significance for Hereditary cancer-predisposing syndrome. Last evaluated: 2025-07-17. Review status: criteria provided, single submitter. Criteria: Ambry Variant Classification Scheme 2023. Collection method: clinical testing. Allele origin: germline.
Comment: The p.S1908C variant (also known as c.5723C>G), located in coding exon 42 of the POLE gene, results from a C to G substitution at nucleotide position 5723. The serine at codon 1908 is replaced by cysteine, an amino acid with dissimilar properties. This amino acid position is conserved. In addition, the in silico prediction for this alteration is inconclusive. Based on the available evidence, the clinical significance of this variant remains unclear.

NM_006231.4(POLE):c.5723C>G (p.Ser1908Cys)

Gene: POLE (DNA polymerase epsilon, catalytic subunit; minus strand). Cytogenetic location: 12q24.33.
Variant type: single nucleotide variant.
Coding change: c.5723C>G on transcript NM_006231.4 (MANE Select); coding-DNA position 5723, C replaced by G.
Protein change: p.Ser1908Cys; replaces serine 1908 with cysteine.
Molecular consequence: missense variant.
Genome position (GRCh38, 1-based): chr12:132,635,980, G>C on the plus strand (C>G on the coding strand, the complement: POLE is on the minus strand). VCF-style: chr12-132635980-G-C. GRCh37 (hg19) VCF-style: chr12-133212566-G-C.
Other names: short protein forms S1908C.
Identifiers: ClinVar variation 4141079 (VCV004141079.1).
Genomic context (GRCh38, chr12:132,635,980, plus strand): 5'-TTTCCTTTGATTCCGCCATAGTTAGATGGATCCATCCAGAGAAGAAATTCCCAGCATCGA[G>C]AGAAAGAAATTGTCAGAGAATGGAAGGTCTCCTTTGAATGGATGCTGCAGAGGAAGCATT-3'
Protein context (NP_006222.2, residues 1898-1918): ETFHSLTISF[Ser1908Cys]RCWEFLLWMD